The following is an entry in ClinVar:

ClinVar aggregate classification (germline): Likely pathogenic (1 of 4 stars; one submission).

Conditions:
Spondylocostal dysostosis 2, autosomal recessive (SCDO2). Also called: MESP2-Related Spondylocostal Dysostosis, Autosomal Recessive; Spondylocostal dysostosis type 2. Identifiers: Orphanet 2311, MedGen C1837549, MONDO:0012097, OMIM 608681.

Submission:

Natera, Inc.
Classification: Likely pathogenic for Spondylocostal dysostosis type 2. Last evaluated: 2025-07-16. Review status: criteria provided, single submitter. Criteria: Natera Variant Classification Schema (03/2026). Collection method: clinical testing. Allele origin: germline.
Comment: The c.184C>T variant in MESP2 is a nonsense variant predicted to introduce a stop codon at amino acid 62. This variant is expected to result in nonsense mediated decay, truncation, or a dysfunctional protein product. This variant is rare in the general population with a frequency below the threshold expected for the associated phenotype(s). Given the available evidence, this variant is classified as Likely Pathogenic.

NM_001039958.2(MESP2):c.184C>T (p.Arg62Ter)

Gene: MESP2 (mesoderm posterior bHLH transcription factor 2; plus strand). Cytogenetic location: 15q26.1.
Variant type: single nucleotide variant.
Coding change: c.184C>T on transcript NM_001039958.2 (MANE Select); coding-DNA position 184, C replaced by T.
Protein change: p.Arg62Ter; replaces arginine 62 with a stop codon.
Molecular consequence: nonsense.
Genome position (GRCh38, 1-based): chr15:89,776,541, C>T. VCF-style: chr15-89776541-C-T. GRCh37 (hg19) VCF-style: chr15-90319772-C-T.
Other names: short protein forms R62*.
Identifiers: ClinVar variation 4814561 (VCV004814561.1).